The following is an entry in ClinVar:

ClinVar aggregate classification (germline): Uncertain significance (1 of 4 stars; one submission).

Conditions:
Hereditary spastic paraplegia 49 (HSAN9). Also called: Spastic paraplegia 49, autosomal recessive; NEUROPATHY, HEREDITARY SENSORY AND AUTONOMIC, TYPE IX, WITH DEVELOPMENTAL DELAY; TECPR2-Related Hereditary Sensory and Autonomic Neuropathy with Intellectual Disability. Identifiers: Orphanet 320385, MedGen C5190860, MONDO:0014016, OMIM 615031.

Submission:

Labcorp Genetics (formerly Invitae), Labcorp
Classification: Uncertain significance for Hereditary spastic paraplegia 49. Last evaluated: 2020-09-03. Review status: criteria provided, single submitter. Criteria: Invitae Variant Classification Sherloc (09022015). Collection method: clinical testing. Allele origin: germline.
Comment: In summary, the available evidence is currently insufficient to determine the role of this variant in disease. Therefore, it has been classified as a Variant of Uncertain Significance. Algorithms developed to predict the effect of missense changes on protein structure and function (SIFT, PolyPhen-2, Align-GVGD) all suggest that this variant is likely to be tolerated, but these predictions have not been confirmed by published functional studies and their clinical significance is uncertain. This variant has not been reported in the literature in individuals with TECPR2-related conditions. This variant is not present in population databases (ExAC no frequency). This sequence change replaces serine with proline at codon 326 of the TECPR2 protein (p.Ser326Pro). The serine residue is weakly conserved and there is a moderate physicochemical difference between serine and proline.

NM_014844.5(TECPR2):c.976T>C (p.Ser326Pro)

Gene: TECPR2 (tectonin beta-propeller repeat containing 2; plus strand). Cytogenetic location: 14q32.31.
Variant type: single nucleotide variant.
Coding change: c.976T>C on transcript NM_014844.5 (MANE Select); coding-DNA position 976, T replaced by C.
Protein change: p.Ser326Pro; replaces serine 326 with proline.
Molecular consequence: missense variant.
Genome position (GRCh38, 1-based): chr14:102,428,274, T>C. VCF-style: chr14-102428274-T-C. GRCh37 (hg19) VCF-style: chr14-102894611-T-C.
Other names: c.976T>C, p.Ser326Pro (NM_001172631.3); short protein forms S326P.
Identifiers: ClinVar variation 1016640 (VCV001016640.11), dbSNP rs1889383260, ClinGen allele CA391050970.
Genomic context (GRCh38, chr14:102,428,274, plus strand): 5'-TGTTTTTTGTTTTTTTTTTTTTTTTTTTTTTGACAGGCCACAGTTGCTGGTTTGGAAGGA[T>C]CCGGTGATATTGTGTCTGTTTCGTGCACAGAAAATGAAATATTTTTCTTGAAAGGAGATA-3'
Protein context (NP_055659.2, residues 316-336): NQATVAGLEG[Ser326Pro]GDIVSVSCTE